The following is an entry in ClinVar:

NM_005027.4(PIK3R2):c.266G>A (p.Arg89His)

Gene: PIK3R2 (phosphoinositide-3-kinase regulatory subunit 2; plus strand). Cytogenetic location: 19p13.11.
Variant type: single nucleotide variant.
Coding change: c.266G>A on transcript NM_005027.4 (MANE Select); coding-DNA position 266, G replaced by A.
Protein change: p.Arg89His; replaces arginine 89 with histidine.
Molecular consequence: missense variant. On other transcripts: non-coding transcript variant (2).
Genome position (GRCh38, 1-based): chr19:18,156,145, G>A. VCF-style: chr19-18156145-G-A. GRCh37 (hg19) VCF-style: chr19-18266955-G-A.
Other names: c.266G>A (NM_005027.2); short protein forms R89H.
Identifiers: ClinVar variation 2729697 (VCV002729697.4), dbSNP rs532391308, ClinGen allele CA9306674.

ClinVar aggregate classification (germline): Uncertain significance. Review status: criteria provided, multiple submitters, no conflicts (2 of 4 stars). 2 submissions from 2 submitters: Uncertain significance (2). Last evaluated 2024-07-31.

Conditions:
Megalencephaly-polymicrogyria-postaxial polydactyly-hydrocephalus syndrome. Also called: MEG-PMG-MEGACC SYNDROME; MPPH Syndrome. Identifiers: Orphanet 83473, MedGen C1863924, MONDO:0019375.
Inborn genetic diseases. Identifiers: MedGen C0950123, MeSH D030342.

Allele frequency attached by ClinVar (database versions not stated): gnomAD exomes 0.00002.
gnomAD v4.1: 26 of 1,467,952 alleles (0.0018%); highest among the groups gnomAD compares: South Asian, 0.0071%; 2 homozygotes.

Submissions (2):

Ambry Genetics
Classification: Uncertain significance for Inborn genetic diseases. Last evaluated: 2024-07-31. Review status: criteria provided, single submitter. Criteria: Ambry Variant Classification Scheme 2023. Collection method: clinical testing. Allele origin: germline.

Labcorp Genetics (formerly Invitae), Labcorp
Classification: Uncertain significance for Megalencephaly-polymicrogyria-postaxial polydactyly-hydrocephalus syndrome. Last evaluated: 2024-06-21. Review status: criteria provided, single submitter. Criteria: Invitae Variant Classification Sherloc (09022015). Collection method: clinical testing. Allele origin: germline.
Comment: This sequence change replaces arginine, which is basic and polar, with histidine, which is basic and polar, at codon 89 of the PIK3R2 protein (p.Arg89His). This variant is present in population databases (rs532391308, gnomAD 0.03%). This variant has not been reported in the literature in individuals affected with PIK3R2-related conditions. Advanced modeling of protein sequence and biophysical properties (such as structural, functional, and spatial information, amino acid conservation, physicochemical variation, residue mobility, and thermodynamic stability) performed at Invitae indicates that this missense variant is expected to disrupt PIK3R2 protein function with a positive predictive value of 95%. In summary, the available evidence is currently insufficient to determine the role of this variant in disease. Therefore, it has been classified as a Variant of Uncertain Significance.